The following is an entry in ClinVar:

NM_000124.4(ERCC6):c.2337C>T (p.Phe779=)

Gene: ERCC6 (ERCC excision repair 6, chromatin remodeling factor; minus strand). Cytogenetic location: 10q11.23.
Variant type: single nucleotide variant.
Coding change: c.2337C>T on transcript NM_000124.4 (MANE Select); coding-DNA position 2337, C replaced by T.
Protein change: p.Phe779=; no amino-acid change (phenylalanine 779 retained).
Molecular consequence: synonymous variant.
Genome position (GRCh38, 1-based): chr10:49,476,260, G>A on the plus strand (C>T on the coding strand, the complement: ERCC6 is on the minus strand). VCF-style: chr10-49476260-G-A. GRCh37 (hg19) VCF-style: chr10-50684306-G-A.
Other names: c.2337C>T, p.Phe779= (NM_001346440.2).
Identifiers: ClinVar variation 300069 (VCV000300069.39), dbSNP rs114490473, ClinGen allele CA5495691.

ClinVar aggregate classification (germline): Conflicting classifications of pathogenicity. Review status: criteria provided, conflicting classifications (1 of 4 stars). 5 submissions from 3 submitters: Uncertain significance (3); Likely benign (2). Last evaluated 2026-01-28.

Conditions:
Age related macular degeneration 5. Identifiers: MedGen C3151063, MONDO:0013409, OMIM 613761.
Cerebrooculofacioskeletal syndrome 1 (COFS1). Also called: Cerebro-oculo-facio-skeletal syndrome 1. Identifiers: MedGen C0220722, MONDO:0008955, OMIM 214150.
Cockayne syndrome type 2 (CSB). Also called: COCKAYNE SYNDROME B; Cockayne Syndrome, Type II. Identifiers: Orphanet 191, Orphanet 90322, MedGen C0751038, MONDO:0019570, OMIM 133540.

Allele frequency attached by ClinVar (database versions not stated): gnomAD 0.00007; ESP Exome Variant Server 0.00008; TOPMed 0.00009; ExAC 0.00012.
gnomAD v4.1: 172 of 1,613,600 alleles (0.011%); highest among the groups gnomAD compares: East Asian, 0.027%; no homozygotes.

Submissions (5):

Labcorp Genetics (formerly Invitae), Labcorp
Classification: Likely benign. Last evaluated: 2026-01-28. Review status: criteria provided, single submitter. Criteria: Invitae Variant Classification Sherloc (09022015). Collection method: clinical testing. Allele origin: germline.

CeGaT Center for Human Genetics Tuebingen
Classification: Likely benign. Last evaluated: 2023-05-01. Review status: criteria provided, single submitter. Criteria: CeGaT Center For Human Genetics Tuebingen Variant Classification Criteria Version 2. Collection method: clinical testing. Allele origin: germline. Affected: yes. Observed: 1 variant allele.
Comment: ERCC6: BP4, BP7

Illumina Laboratory Services, Illumina
Classification: Uncertain significance for Cockayne syndrome type 2. Last evaluated: 2018-01-13. Review status: criteria provided, single submitter. Criteria: ICSL Variant Classification Criteria 13 December 2019. Collection method: clinical testing. Allele origin: germline.

Illumina Laboratory Services, Illumina
Classification: Uncertain significance for Age related macular degeneration 5. Last evaluated: 2018-01-13. Review status: criteria provided, single submitter. Criteria: ICSL Variant Classification Criteria 13 December 2019. Collection method: clinical testing. Allele origin: germline.

Illumina Laboratory Services, Illumina
Classification: Uncertain significance for Cerebrooculofacioskeletal syndrome 1. Last evaluated: 2018-01-13. Review status: criteria provided, single submitter. Criteria: ICSL Variant Classification Criteria 13 December 2019. Collection method: clinical testing. Allele origin: germline.